The following is an entry in ClinVar:

ClinVar aggregate classification (germline): Uncertain significance (1 of 4 stars; one submission).

Allele frequency attached by ClinVar (database versions not stated): gnomAD exomes 0.00001.
gnomAD v4.1: 3 of 1,614,122 alleles (0.00019%); highest among the groups gnomAD compares: South Asian, 0.0011%; no homozygotes.

Submission:

Labcorp Genetics (formerly Invitae), Labcorp
Classification: Uncertain significance. Last evaluated: 2022-02-27. Review status: criteria provided, single submitter. Criteria: Invitae Variant Classification Sherloc (09022015). Collection method: clinical testing. Allele origin: germline.
Comment: In summary, the available evidence is currently insufficient to determine the role of this variant in disease. Therefore, it has been classified as a Variant of Uncertain Significance. Algorithms developed to predict the effect of missense changes on protein structure and function are either unavailable or do not agree on the potential impact of this missense change (SIFT: "Tolerated"; PolyPhen-2: "Possibly Damaging"; Align-GVGD: "Class C0"). This variant has not been reported in the literature in individuals affected with MYLK3-related conditions. This variant is present in population databases (no rsID available, gnomAD 0.003%). This sequence change replaces glutamic acid, which is acidic and polar, with lysine, which is basic and polar, at codon 768 of the MYLK3 protein (p.Glu768Lys).

NM_182493.3(MYLK3):c.2302G>A (p.Glu768Lys)

Gene: MYLK3 (myosin light chain kinase 3; minus strand). Cytogenetic location: 16q11.2.
Variant type: single nucleotide variant.
Coding change: c.2302G>A on transcript NM_182493.3 (MANE Select); coding-DNA position 2302, G replaced by A.
Protein change: p.Glu768Lys; replaces glutamic acid 768 with lysine.
Molecular consequence: missense variant.
Genome position (GRCh38, 1-based): chr16:46,709,637, C>T on the plus strand (G>A on the coding strand, the complement: MYLK3 is on the minus strand). VCF-style: chr16-46709637-C-T. GRCh37 (hg19) VCF-style: chr16-46743549-C-T.
Other names: c.1279G>A, p.Glu427Lys (NM_001308301.1); short protein forms E768K, E427K.
Identifiers: ClinVar variation 2104056 (VCV002104056.4), dbSNP rs1471402713, ClinGen allele CA395786042.
Genomic context (GRCh38, chr16:46,709,637, plus strand): 5'-GTTGGGATTTGAGACGAGTTTTGGATCTTGAAGCTTTGGCAGGCAAATTATTCAGCCACT[C>T]GTGTTTCAGGCACTGTGTGGCACTCATTCTGCAGCTGTGAAATCAAAGAGCAGTTAAGAC-3'
Protein context (NP_872299.2, residues 758-778): RMSATQCLKH[Glu768Lys]WLNNLPAKAS